The following is an entry in ClinVar:

ClinVar aggregate classification (germline): Uncertain significance (1 of 4 stars; one submission).

Conditions:
Progressive sclerosing poliodystrophy (MTDPS4A). Also called: NEURONAL DEGENERATION OF CHILDHOOD WITH LIVER DISEASE, PROGRESSIVE; Alpers Syndrome; ALPERS DIFFUSE DEGENERATION OF CEREBRAL GRAY MATTER WITH HEPATIC CIRRHOSIS; Alpers-Huttenlocher Syndrome; Mitochondrial DNA Depletion Syndrome 4A; Alpers-Huttenlocher Syndrome (AHS). Identifiers: Orphanet 726, MedGen C0205710, MONDO:0008758, OMIM 203700.

Allele frequency attached by ClinVar (database versions not stated): gnomAD exomes below 0.00001.
gnomAD v4.1: 1 of 1,549,056 alleles (0.000065%); highest among the groups gnomAD compares: Non-Finnish European, 0.000087%; no homozygotes.

Submission:

Labcorp Genetics (formerly Invitae), Labcorp
Classification: Uncertain significance for Progressive sclerosing poliodystrophy. Last evaluated: 2022-10-21. Review status: criteria provided, single submitter. Criteria: Invitae Variant Classification Sherloc (09022015). Collection method: clinical testing. Allele origin: germline.
Comment: In summary, the available evidence is currently insufficient to determine the role of this variant in disease. Therefore, it has been classified as a Variant of Uncertain Significance. Advanced modeling of protein sequence and biophysical properties (such as structural, functional, and spatial information, amino acid conservation, physicochemical variation, residue mobility, and thermodynamic stability) performed at Invitae indicates that this missense variant is not expected to disrupt POLG protein function. This variant has not been reported in the literature in individuals affected with POLG-related conditions. This variant is not present in population databases (gnomAD no frequency). This sequence change replaces valine, which is neutral and non-polar, with isoleucine, which is neutral and non-polar, at codon 26 of the POLG protein (p.Val26Ile).

NM_002693.3(POLG):c.76G>A (p.Val26Ile)

Genes: POLGARF (POLG alternative reading frame; minus strand), POLG (DNA polymerase gamma, catalytic subunit; minus strand). Cytogenetic location: 15q26.1.
Variant type: single nucleotide variant.
Coding change: c.76G>A on transcript NM_002693.3 (MANE Select); coding-DNA position 76, G replaced by A.
Protein change: p.Val26Ile; replaces valine 26 with isoleucine.
Molecular consequence: missense variant.
Genome position (GRCh38, 1-based): chr15:89,333,679, C>T on the plus strand (G>A on the coding strand, the complement: POLG is on the minus strand). VCF-style: chr15-89333679-C-T. GRCh37 (hg19) VCF-style: chr15-89876910-C-T.
Other names: c.76G>A, p.Val26Ile (NM_001126131.2); short protein forms V26I.
Identifiers: ClinVar variation 1721996 (VCV001721996.6), dbSNP rs2509278030, ClinGen allele CA393774953.